The following is an entry in ClinVar:

ClinVar aggregate classification (germline): Likely benign (0 of 4 stars; one submission).

Conditions:
MBNL1-related disorder. Also called: MBNL1-related condition.

Allele frequency attached by ClinVar (database versions not stated): gnomAD 0.00003; TOPMed 0.00003.
gnomAD v4.1: 25 of 1,600,160 alleles (0.0016%); highest among the groups gnomAD compares: African/African-American, 0.0067%; no homozygotes.

Submission:

PreventionGenetics, part of Exact Sciences
Classification: Likely benign for MBNL1-related condition. Last evaluated: 2019-02-19. Review status: no assertion criteria provided. Collection method: clinical testing. Allele origin: germline.
Comment: This variant is classified as likely benign based on ACMG/AMP sequence variant interpretation guidelines (Richards et al. 2015 PMID: 25741868, with internal and published modifications).

NM_021038.5(MBNL1):c.1020G>A (p.Thr340=)

Gene: MBNL1 (muscleblind like splicing regulator 1; plus strand). Cytogenetic location: 3q25.2.
Variant type: single nucleotide variant.
Coding change: c.1020G>A on transcript NM_021038.5 (MANE Select); coding-DNA position 1020, G replaced by A.
Protein change: p.Thr340=; no amino-acid change (threonine 340 retained).
Molecular consequence: synonymous variant. On other transcripts: missense variant (1), non-coding transcript variant (14), intron variant (19).
Genome position (GRCh38, 1-based): chr3:152,456,289, G>A. VCF-style: chr3-152456289-G-A. GRCh37 (hg19) VCF-style: chr3-152174078-G-A.
Other names: c.903G>A, p.Thr301= (NM_001314057.2); c.1167G>A, p.Thr389= (NM_001376818.1, NM_001376819.1); c.1074G>A, p.Thr358= (NM_001376820.1, NM_001376821.1, NM_001376822.1 and 2 more transcripts); c.1038G>A, p.Thr346= (NM_001376824.1, NM_001376825.1, NM_207293.2); c.1020G>A, p.Thr340= (NM_001376826.1, NM_001376827.1, NM_001376828.1 and 2 more transcripts); c.984G>A, p.Thr328= (NM_001376830.1, NM_001376831.1, NM_207292.3); c.852G>A, p.Thr284= (NM_001376837.1, NM_001387797.1, NM_001387798.1 and 1 more transcripts); c.834G>A, p.Thr278= (NM_001376838.1); and 30 more; short protein forms R277H.
Identifiers: ClinVar variation 3058656 (VCV003058656.2), dbSNP rs201037967, ClinGen allele CA355023398.